The following is an entry in ClinVar:

ClinVar aggregate classification (germline): Uncertain significance (1 of 4 stars; one submission).

gnomAD v4.1: 1 of 1,613,902 alleles (0.000062%); no homozygotes.

Submission:

GeneDx
Classification: Uncertain significance. Last evaluated: 2025-03-14. Review status: criteria provided, single submitter. Criteria: GeneDx Variant Classification Process June 2021. Collection method: clinical testing. Allele origin: germline. Affected: yes.
Comment: Not observed at significant frequency in large population cohorts (gnomAD); In silico analysis supports that this missense variant has a deleterious effect on protein structure/function; Has not been previously published as pathogenic or benign to our knowledge

NM_006941.4(SOX10):c.814G>T (p.Asp272Tyr)

Genes: POLR2F (RNA polymerase II, I and III subunit F; plus strand), SOX10 (SRY-box transcription factor 10; minus strand). Cytogenetic location: 22q13.1.
Variant type: single nucleotide variant.
Coding change: c.814G>T on transcript NM_006941.4 (MANE Select); coding-DNA position 814, G replaced by T.
Protein change: p.Asp272Tyr; replaces aspartic acid 272 with tyrosine.
Molecular consequence: missense variant. On other transcripts: intron variant (3).
Genome position (GRCh38, 1-based): chr22:37,974,082, C>A on the plus strand (G>T on the coding strand, the complement: SOX10 is on the minus strand). VCF-style: chr22-37974082-C-A. GRCh37 (hg19) VCF-style: chr22-38370089-C-A.
Other names: c.*38+1772C>A (NM_001363825.1); c.293+6912C>A (NM_001301130.2, NM_001301131.2); short protein forms D272Y.
Identifiers: ClinVar variation 4083162 (VCV004083162.1).
Genomic context (GRCh38, chr22:37,974,082, plus strand): 5'-AGGTCTCCATGTTGGACATTACCTCGTGGCTGATCTCACCAATGTCCACGTTGCCGAAGT[C>A]GATGTGAGGCTTCCCGCCCTCCCCCATGGAGCGCCCGTCCCGCTTCGGGTCTGCCTTGCC-3'
Protein context (NP_008872.1, residues 262-282): SMGEGGKPHI[Asp272Tyr]FGNVDIGEIS